The following is an entry in ClinVar:

ClinVar aggregate classification (germline): Pathogenic (1 of 4 stars; one submission).

Conditions:
Cohen syndrome (COH1). Also called: PEPPER SYNDROME; Cutis verticis gyrata, retinitis pigmentosa, and sensorineural deafness. Identifiers: Orphanet 193, MedGen C0265223, MONDO:0008999, OMIM 216550.

Submission:

Labcorp Genetics (formerly Invitae), Labcorp
Classification: Pathogenic for Cohen syndrome. Last evaluated: 2018-02-16. Review status: criteria provided, single submitter. Criteria: Invitae Variant Classification Sherloc (09022015). Collection method: clinical testing. Allele origin: germline.
Comment: This variant is an out-of-frame deletion of the genomic region encompassing exons 22-39 of the VPS13B gene. This is expected to create a premature translational stop signal and result in an absent or disrupted protein product. This variant has not been reported in the literature in individuals with VPS13B-related disease. Loss-of-function variants in VPS13B are known to be pathogenic (PMID: 15141358, 16648375, 20461111). For these reasons, this variant has been classified as Pathogenic.

NC_000008.11:g.(?_99431517)_(99721067_?)del

Genes: MIR599 (microRNA 599; minus strand), MIR875 (microRNA 875; minus strand), VPS13B (vacuolar protein sorting 13 homolog B; plus strand), LOC110120801 (VISTA enhancer hs909; plus strand). Cytogenetic location: 8q22.2.
Variant type: Deletion.
Identifiers: ClinVar variation 584084 (VCV000584084.1).